The following is an entry in ClinVar:

NM_000787.4(DBH):c.1610A>C (p.Gln537Pro)

Genes: DBH (dopamine beta-hydroxylase; plus strand), DBH-AS1 (DBH antisense RNA 1; minus strand). Cytogenetic location: 9q34.2.
Variant type: single nucleotide variant.
Coding change: c.1610A>C on transcript NM_000787.4 (MANE Select); coding-DNA position 1610, A replaced by C.
Protein change: p.Gln537Pro; replaces glutamine 537 with proline.
Molecular consequence: missense variant.
Genome position (GRCh38, 1-based): chr9:133,657,117, A>C. VCF-style: chr9-133657117-A-C. GRCh37 (hg19) VCF-style: chr9-136522239-A-C.
Other names: short protein forms Q537P.
Identifiers: ClinVar variation 1428650 (VCV001428650.8), dbSNP rs1201618564, ClinGen allele CA375422008.

ClinVar aggregate classification (germline): Uncertain significance (1 of 4 stars; one submission).

Conditions:
Orthostatic hypotension 1 (ORTHYP1). Also called: Orthostatic hypotension 1, due to DBH deficiency; NORADRENALINE DEFICIENCY; NOREPINEPHRINE DEFICIENCY; Dopamine beta-hydroxylase deficiency. Identifiers: Orphanet 230, MedGen C4746777, MONDO:0009123, OMIM 223360.

Allele frequency attached by ClinVar (database versions not stated): gnomAD exomes below 0.00001; TOPMed below 0.00001; gnomAD 0.00001.
gnomAD v4.1: 3 of 1,613,922 alleles (0.00019%); highest among the groups gnomAD compares: Admixed American, 0.0033%; no homozygotes.

Submission:

Labcorp Genetics (formerly Invitae), Labcorp
Classification: Uncertain significance for Orthostatic hypotension 1. Last evaluated: 2021-04-27. Review status: criteria provided, single submitter. Criteria: Invitae Variant Classification Sherloc (09022015). Collection method: clinical testing. Allele origin: germline.
Comment: In summary, the available evidence is currently insufficient to determine the role of this variant in disease. Therefore, it has been classified as a Variant of Uncertain Significance. Algorithms developed to predict the effect of missense changes on protein structure and function (SIFT, PolyPhen-2, Align-GVGD) all suggest that this variant is likely to be tolerated, but these predictions have not been confirmed by published functional studies and their clinical significance is uncertain. This variant has not been reported in the literature in individuals with DBH-related conditions. This variant is not present in population databases (ExAC no frequency). This sequence change replaces glutamine with proline at codon 537 of the DBH protein (p.Gln537Pro). The glutamine residue is moderately conserved and there is a moderate physicochemical difference between glutamine and proline.